The following is an entry in ClinVar:

NM_001114753.3(ENG):c.524-1_689+1del

Gene: ENG (endoglin; minus strand). Cytogenetic location: 9q34.11.
Variant type: Deletion.
Coding change: c.524-1_689+1del on transcript NM_001114753.3 (MANE Select); the canonical splice acceptor site of the intron before coding-DNA position 524 through the canonical splice donor site of the intron after coding-DNA position 689, 168 bases deleted.
Molecular consequence: splice acceptor variant, splice donor variant. On other transcripts: initiator codon variant (1).
Genome position (GRCh38, 1-based): chr9:127,825,694-127,825,861, 168 bases deleted. GRCh37 (hg19): chr9:130,587,973-130,588,140.
Other names: c.524-1_689+1del (NM_000118.4, NM_001406715.1); c.-23-1_143+1del (NM_001278138.2).
Identifiers: ClinVar variation 982456 (VCV000982456.4), dbSNP rs1830595697, ClinGen allele CA1139661213.

ClinVar aggregate classification (germline): Pathogenic (1 of 4 stars; one submission).

Conditions:
Telangiectasia, hereditary hemorrhagic, type 1 (HHT1). Also called: Osler Weber Rendu syndrome type 1; ENG-Related Hereditary Hemorrhagic Telangiectasia. Identifiers: Orphanet 774, MedGen C4551861, MONDO:0008535, OMIM 187300. Disease mechanism: loss of function.

Submission:

NIHR Bioresource Rare Diseases, University of Cambridge
Classification: Pathogenic for Telangiectasia, hereditary hemorrhagic, type 1. Last evaluated: 2018-01-01. Review status: criteria provided, single submitter. Criteria: ACMG Guidelines, 2015. Collection method: research. Allele origin: unknown. Affected: yes. Observed: 1 variant allele.
Comment: PVS1+PM4+PP4

Literature cited by the submitters: PubMed 32573726.